The following is an entry in ClinVar:

NM_000432.4(MYL2):c.395_396insAGTGCTAGGATTACAGGTGTGAGCCAACATGCCCGTCCTTTTTTTTTTTTTTTGA (p.Lys132_Glu133insValLeuGlyLeuGlnValTer)

Gene: MYL2 (myosin light chain 2; minus strand). Cytogenetic location: 12q24.11.
Variant type: Insertion.
Coding change: c.395_396insAGTGCTAGGATTACAGGTGTGAGCCAACATGCCCGTCCTTTTTTTTTTTTTTTGA on transcript NM_000432.4 (MANE Select); coding-DNA positions 395 to 396, AGTGCTAGGATTACAGGTGTGAGCCAACATGCCCGTCCTTTTTTTTTTTTTTTGA inserted.
Protein change: p.Lys132_Glu133insValLeuGlyLeuGlnValTer.
Molecular consequence: nonsense.
Genome position: GRCh38: chr12:110,913,103-110,913,104. GRCh37 (hg19): chr12:111,350,907-111,350,908.
Other names: c.353_354insAGTGCTAGGATTACAGGTGTGAGCCAACATGCCCGTCCTTTTTTTTTTTTTTTGA, p.Lys118_Glu119insValLeuGlyLeuGlnValTer (NM_001406745.1); c.338_339insAGTGCTAGGATTACAGGTGTGAGCCAACATGCCCGTCCTTTTTTTTTTTTTTTGA, p.Lys113_Glu114insValLeuGlyLeuGlnValTer (NM_001406916.1).
Identifiers: ClinVar variation 3387370 (VCV003387370.1).

ClinVar aggregate classification (germline): Uncertain significance (1 of 4 stars; one submission).

Conditions:
Hypertrophic cardiomyopathy. Also called: HYPERTROPHIC MYOCARDIOPATHY. Identifiers: Orphanet 217569, MedGen C0007194, MeSH D002312, MONDO:0005045, HP:0001639.

Submission:

All of Us Research Program, National Institutes of Health
Classification: Uncertain significance for Hypertrophic cardiomyopathy. Last evaluated: 2024-03-05. Review status: criteria provided, single submitter. Criteria: ACMG Guidelines, 2015. Collection method: clinical testing. Allele origin: germline. Inheritance: Autosomal dominant inheritance. Observed: 1 variant allele, 1 heterozygote.
Comment: This study involves interpretation of variants in research participants for the purpose of population health screening. Participant phenotype was not available at the time of variant classification. Additional details can be found in publication PMID: 35346344, PMCID: PMC8962531